The following is an entry in ClinVar:

ClinVar aggregate classification (germline): Uncertain significance. Review status: criteria provided, multiple submitters, no conflicts (2 of 4 stars). 3 submissions from 3 submitters: Uncertain significance (3). Last evaluated 2025-08-14.

Conditions:
Inborn genetic diseases. Identifiers: MedGen C0950123, MeSH D030342.
Hermansky-Pudlak syndrome 2 (HPS2). Also called: Platelet defects and oculocutaneous albinism. Identifiers: Orphanet 183678, Orphanet 79430, MedGen C1842362, MONDO:0011997, OMIM 608233.
AP3B1-related disorder. Also called: AP3B1-related condition.

Allele frequency attached by ClinVar (database versions not stated): ExAC 0.00001; gnomAD 0.00001; TOPMed 0.00003.
gnomAD v4.1: 24 of 1,614,138 alleles (0.0015%); highest among the groups gnomAD compares: South Asian, 0.0022%; no homozygotes.

Submissions (3):

Ambry Genetics
Classification: Uncertain significance for Inborn genetic diseases. Last evaluated: 2025-08-14. Review status: criteria provided, single submitter. Criteria: Ambry Variant Classification Scheme 2023. Collection method: clinical testing. Allele origin: germline.

PreventionGenetics, part of Exact Sciences
Classification: Uncertain significance for AP3B1-related condition. Last evaluated: 2022-09-15. Review status: criteria provided, single submitter. Criteria: ACMG Guidelines, 2015. Collection method: clinical testing. Allele origin: germline.
Comment: The AP3B1 c.86C>T variant is predicted to result in the amino acid substitution p.Ser29Phe. To our knowledge, this variant has not been reported in the literature. This variant is reported in 0.0040% of alleles in individuals of African descent in gnomAD. At this time, the clinical significance of this variant is uncertain due to the absence of conclusive functional and genetic evidence.

Labcorp Genetics (formerly Invitae), Labcorp
Classification: Uncertain significance for Hermansky-Pudlak syndrome 2. Last evaluated: 2022-08-13. Review status: criteria provided, single submitter. Criteria: Invitae Variant Classification Sherloc (09022015). Collection method: clinical testing. Allele origin: germline.
Comment: This sequence change replaces serine, which is neutral and polar, with phenylalanine, which is neutral and non-polar, at codon 29 of the AP3B1 protein (p.Ser29Phe). This variant is present in population databases (rs746625977, gnomAD 0.004%). This variant has not been reported in the literature in individuals affected with AP3B1-related conditions. Algorithms developed to predict the effect of missense changes on protein structure and function are either unavailable or do not agree on the potential impact of this missense change (SIFT: "Deleterious"; PolyPhen-2: "Benign"; Align-GVGD: "Class C0"). In summary, the available evidence is currently insufficient to determine the role of this variant in disease. Therefore, it has been classified as a Variant of Uncertain Significance.

NM_003664.5(AP3B1):c.86C>T (p.Ser29Phe)

Gene: AP3B1 (adaptor related protein complex 3 subunit beta 1; minus strand). Cytogenetic location: 5q14.1.
Variant type: single nucleotide variant.
Coding change: c.86C>T on transcript NM_003664.5 (MANE Select); coding-DNA position 86, C replaced by T.
Protein change: p.Ser29Phe; replaces serine 29 with phenylalanine.
Molecular consequence: missense variant. On other transcripts: 5 prime UTR variant (1).
Genome position (GRCh38, 1-based): chr5:78,294,494, G>A on the plus strand (C>T on the coding strand, the complement: AP3B1 is on the minus strand). VCF-style: chr5-78294494-G-A. GRCh37 (hg19) VCF-style: chr5-77590318-G-A.
Other names: c.-74C>T (NM_001271769.2); c.86C>T, p.Ser29Phe (NM_001410752.1); c.86C>T (NM_003664.3); short protein forms S29F.
Identifiers: ClinVar variation 1918271 (VCV001918271.4), dbSNP rs746625977, ClinGen allele CA3317473.